The following is an entry in ClinVar:

ClinVar aggregate classification (germline): Likely benign (1 of 4 stars; one submission).

Allele frequency attached by ClinVar (database versions not stated): gnomAD exomes below 0.00001 and 0.00001; TOPMed 0.00001; gnomAD 0.00002; ExAC 0.00003.
gnomAD v4.1: 6 of 1,613,130 alleles (0.00037%); highest among the groups gnomAD compares: African/African-American, 0.0013%; no homozygotes.

Submission:

GeneDx
Classification: Likely benign. Last evaluated: 2018-02-01. Review status: criteria provided, single submitter. Criteria: GeneDx Variant Classification (06012015). Collection method: clinical testing. Allele origin: germline. Affected: yes.
Comment: This variant is considered likely benign or benign based on one or more of the following criteria: it is a conservative change, it occurs at a poorly conserved position in the protein, it is predicted to be benign by multiple in silico algorithms, and/or has population frequency not consistent with disease.

NM_001267550.2(TTN):c.100093C>T (p.Arg33365Trp)

Genes: TTN (titin; minus strand), TTN-AS1 (TTN antisense RNA 1; plus strand), LOC126806420 (BRD4-independent group 4 enhancer GRCh37_chr2:179401104-179402303; plus strand). Cytogenetic location: 2q31.2.
Variant type: single nucleotide variant.
Coding change: c.100093C>T on transcript NM_001267550.2 (MANE Select); coding-DNA position 100093, C replaced by T.
Protein change: p.Arg33365Trp; replaces arginine 33365 with tryptophan.
Molecular consequence: missense variant.
Genome position (GRCh38, 1-based): chr2:178,537,016, G>A on the plus strand (C>T on the coding strand, the complement: TTN is on the minus strand). VCF-style: chr2-178537016-G-A. GRCh37 (hg19) VCF-style: chr2-179401743-G-A.
Other names: c.95170C>T, p.Arg31724Trp (NM_001256850.1); c.72898C>T, p.Arg24300Trp (NM_003319.4); c.92389C>T, p.Arg30797Trp (NM_133378.4); c.73273C>T, p.Arg24425Trp (NM_133432.3); c.73474C>T, p.Arg24492Trp (NM_133437.4); short protein forms R31724W, R33365W, R24300W, R30797W, R24492W, R24425W.
Identifiers: ClinVar variation 515314 (VCV000515314.1), dbSNP rs543226487, ClinGen allele CA1986080.
Genomic context (GRCh38, chr2:178,537,016, plus strand): 5'-TCACAACTGAGGACACTTCTAGAGGGTCACTGATGCCGAAAGTGTTCTGAGCTGAAACCC[G>A]GAAGTAATAGCCAGCATTTTCTGTGAGGTTCACAATTCTACAGGTTGTCACTGAGATGGC-3'
Protein context (NP_001254479.2, residues 33355-33375): NLTENAGYYF[Arg33365Trp]VSAQNTFGIS